The following is an entry in ClinVar:

ClinVar aggregate classification (germline): Uncertain significance (1 of 4 stars; one submission).

Submission:

GeneDx
Classification: Uncertain significance. Last evaluated: 2024-08-02. Review status: criteria provided, single submitter. Criteria: GeneDx Variant Classification Process June 2021. Collection method: clinical testing. Allele origin: germline. Affected: yes.
Comment: Not observed at significant frequency in large population cohorts (gnomAD); In silico analysis indicates that this missense variant does not alter protein structure/function; Has not been previously published as pathogenic or benign to our knowledge

NM_006445.4(PRPF8):c.2812C>T (p.Pro938Ser)

Gene: PRPF8 (pre-mRNA processing factor 8; minus strand). Cytogenetic location: 17p13.3.
Variant type: single nucleotide variant.
Coding change: c.2812C>T on transcript NM_006445.4 (MANE Select); coding-DNA position 2812, C replaced by T.
Protein change: p.Pro938Ser; replaces proline 938 with serine.
Molecular consequence: missense variant.
Genome position (GRCh38, 1-based): chr17:1,675,680, G>A on the plus strand (C>T on the coding strand, the complement: PRPF8 is on the minus strand). VCF-style: chr17-1675680-G-A. GRCh37 (hg19) VCF-style: chr17-1578974-G-A.
Other names: short protein forms P938S.
Identifiers: ClinVar variation 3602449 (VCV003602449.1).